The following is an entry in ClinVar:

ClinVar aggregate classification (germline): Uncertain significance (1 of 4 stars; one submission).

Submission:

Labcorp Genetics (formerly Invitae), Labcorp
Classification: Uncertain significance. Last evaluated: 2025-01-07. Review status: criteria provided, single submitter. Criteria: Invitae Variant Classification Sherloc (09022015). Collection method: clinical testing. Allele origin: germline.
Comment: This sequence change replaces alanine, which is neutral and non-polar, with valine, which is neutral and non-polar, at codon 267 of the DPF2 protein (p.Ala267Val). This variant is not present in population databases (gnomAD no frequency). This variant has not been reported in the literature in individuals affected with DPF2-related conditions. An algorithm developed to predict the effect of missense changes on protein structure and function (PolyPhen-2) suggests that this variant is likely to be tolerated. In summary, the available evidence is currently insufficient to determine the role of this variant in disease. Therefore, it has been classified as a Variant of Uncertain Significance.

NM_006268.5(DPF2):c.800C>T (p.Ala267Val)

Gene: DPF2 (double PHD fingers 2; plus strand). Cytogenetic location: 11q13.1.
Variant type: single nucleotide variant.
Coding change: c.800C>T on transcript NM_006268.5 (MANE Select); coding-DNA position 800, C replaced by T.
Protein change: p.Ala267Val; replaces alanine 267 with valine.
Molecular consequence: missense variant.
Genome position (GRCh38, 1-based): chr11:65,345,954, C>T. VCF-style: chr11-65345954-C-T. GRCh37 (hg19) VCF-style: chr11-65113425-C-T.
Other names: c.842C>T, p.Ala281Val (NM_001330308.2); short protein forms A281V, A267V.
Identifiers: ClinVar variation 3728516 (VCV003728516.2).